The following is an entry in ClinVar:

NM_015331.3(NCSTN):c.448A>T (p.Asn150Tyr)

Gene: NCSTN (nicastrin; plus strand). Cytogenetic location: 1q23.2.
Variant type: single nucleotide variant.
Coding change: c.448A>T on transcript NM_015331.3 (MANE Select); coding-DNA position 448, A replaced by T.
Protein change: p.Asn150Tyr; replaces asparagine 150 with tyrosine.
Molecular consequence: missense variant.
Genome position (GRCh38, 1-based): chr1:160,350,116, A>T. VCF-style: chr1-160350116-A-T. GRCh37 (hg19) VCF-style: chr1-160319906-A-T.
Other names: c.388A>T, p.Asn130Tyr (NM_001290184.2); c.448A>T, p.Asn150Tyr (NM_001290186.2, NM_001349729.2); short protein forms N130Y, N150Y.
Identifiers: ClinVar variation 1419296 (VCV001419296.6), dbSNP rs2101899744, ClinGen allele CA343277595.

ClinVar aggregate classification (germline): Uncertain significance (1 of 4 stars; one submission).

Submission:

Labcorp Genetics (formerly Invitae), Labcorp
Classification: Uncertain significance. Last evaluated: 2022-09-07. Review status: criteria provided, single submitter. Criteria: Invitae Variant Classification Sherloc (09022015). Collection method: clinical testing. Allele origin: germline.
Comment: This sequence change replaces asparagine, which is neutral and polar, with tyrosine, which is neutral and polar, at codon 150 of the NCSTN protein (p.Asn150Tyr). This variant is not present in population databases (gnomAD no frequency). This variant has not been reported in the literature in individuals affected with NCSTN-related conditions. ClinVar contains an entry for this variant (Variation ID: 1419296). Algorithms developed to predict the effect of missense changes on protein structure and function are either unavailable or do not agree on the potential impact of this missense change (SIFT: "Deleterious"; PolyPhen-2: "Benign"; Align-GVGD: "Class C0"). In summary, the available evidence is currently insufficient to determine the role of this variant in disease. Therefore, it has been classified as a Variant of Uncertain Significance.